The following is an entry in ClinVar:

NM_017755.6(NSUN2):c.963T>G (p.Cys321Trp)

Gene: NSUN2 (NOP2/Sun RNA methyltransferase 2; minus strand). Cytogenetic location: 5p15.31.
Variant type: single nucleotide variant.
Coding change: c.963T>G on transcript NM_017755.6 (MANE Select); coding-DNA position 963, T replaced by G.
Protein change: p.Cys321Trp; replaces cysteine 321 with tryptophan.
Molecular consequence: missense variant. On other transcripts: non-coding transcript variant (1).
Genome position (GRCh38, 1-based): chr5:6,616,785, A>C on the plus strand (T>G on the coding strand, the complement: NSUN2 is on the minus strand). VCF-style: chr5-6616785-A-C. GRCh37 (hg19) VCF-style: chr5-6616898-A-C.
Other names: c.858T>G, p.Cys286Trp (NM_001193455.2); short protein forms C286W, C321W.
Identifiers: ClinVar variation 3650229 (VCV003650229.2).

ClinVar aggregate classification (germline): Uncertain significance (1 of 4 stars; one submission).

Submission:

Labcorp Genetics (formerly Invitae), Labcorp
Classification: Uncertain significance. Last evaluated: 2024-04-17. Review status: criteria provided, single submitter. Criteria: Invitae Variant Classification Sherloc (09022015). Collection method: clinical testing. Allele origin: germline.
Comment: This sequence change replaces cysteine, which is neutral and slightly polar, with tryptophan, which is neutral and slightly polar, at codon 321 of the NSUN2 protein (p.Cys321Trp). This variant is not present in population databases (gnomAD no frequency). This variant has not been reported in the literature in individuals affected with NSUN2-related conditions. Advanced modeling of protein sequence and biophysical properties (such as structural, functional, and spatial information, amino acid conservation, physicochemical variation, residue mobility, and thermodynamic stability) performed at Invitae indicates that this missense variant is expected to disrupt NSUN2 protein function with a positive predictive value of 80%. In summary, the available evidence is currently insufficient to determine the role of this variant in disease. Therefore, it has been classified as a Variant of Uncertain Significance.